The following is an entry in ClinVar:

ClinVar aggregate classification (germline): Uncertain significance (1 of 4 stars; one submission).

Submission:

GeneDx
Classification: Uncertain significance. Last evaluated: 2024-04-25. Review status: criteria provided, single submitter. Criteria: GeneDx Variant Classification Process June 2021. Collection method: clinical testing. Allele origin: germline. Affected: yes.
Comment: Reported previously in the heterozygous state in a patient with myotonia congenita (PMID: 31544778); Not observed at significant frequency in large population cohorts (gnomAD); In silico analysis supports that this missense variant has a deleterious effect on protein structure/function; This variant is associated with the following publications: (PMID: 31544778)

NM_000083.3(CLCN1):c.1712A>G (p.Gln571Arg)

Gene: CLCN1 (chloride voltage-gated channel 1; plus strand). Cytogenetic location: 7q34.
Variant type: single nucleotide variant.
Coding change: c.1712A>G on transcript NM_000083.3 (MANE Select); coding-DNA position 1712, A replaced by G.
Protein change: p.Gln571Arg; replaces glutamine 571 with arginine.
Molecular consequence: missense variant. On other transcripts: non-coding transcript variant (1).
Genome position (GRCh38, 1-based): chr7:143,342,058, A>G. VCF-style: chr7-143342058-A-G. GRCh37 (hg19) VCF-style: chr7-143039151-A-G.
Other names: short protein forms Q571R.
Identifiers: ClinVar variation 3368885 (VCV003368885.1).